The following is an entry in ClinVar:

ClinVar aggregate classification (germline): Uncertain significance (1 of 4 stars; one submission).

Conditions:
STAT3 gain of function. Identifiers: MedGen C4288261.
Hyper-IgE recurrent infection syndrome 1, autosomal dominant. Also called: JOB SYNDROME; Job's Syndrome; STAT3 Hyper IgE Syndrome; Hyper-IgE recurrent infection syndrome 1; HYPER-IgE SYNDROME 1, AUTOSOMAL DOMINANT, WITH RECURRENT INFECTIONS. Identifiers: Orphanet 2314, MedGen C2936739, MONDO:0007818, OMIM 147060.

Submission:

Labcorp Genetics (formerly Invitae), Labcorp
Classification: Uncertain significance for STAT3 gain of function; Hyper-IgE recurrent infection syndrome 1, autosomal dominant. Last evaluated: 2025-05-13. Review status: criteria provided, single submitter. Criteria: Invitae Variant Classification Sherloc (09022015). Collection method: clinical testing. Allele origin: germline.
Comment: This sequence change replaces proline, which is neutral and non-polar, with alanine, which is neutral and non-polar, at codon 255 of the STAT3 protein (p.Pro255Ala). This variant is not present in population databases (gnomAD no frequency). This variant has not been reported in the literature in individuals affected with STAT3-related conditions. Invitae Evidence Modeling of protein sequence and biophysical properties (such as structural, functional, and spatial information, amino acid conservation, physicochemical variation, residue mobility, and thermodynamic stability) indicates that this missense variant is expected to disrupt STAT3 protein function with a positive predictive value of 80%. In summary, the available evidence is currently insufficient to determine the role of this variant in disease. Therefore, it has been classified as a Variant of Uncertain Significance.

NM_139276.3(STAT3):c.763C>G (p.Pro255Ala)

Genes: STAT3 (signal transducer and activator of transcription 3; minus strand), LOC130060888 (ATAC-STARR-seq lymphoblastoid active region 12197; plus strand). Cytogenetic location: 17q21.2.
Variant type: single nucleotide variant.
Coding change: c.763C>G on transcript NM_139276.3 (MANE Select); coding-DNA position 763, C replaced by G.
Protein change: p.Pro255Ala; replaces proline 255 with alanine.
Molecular consequence: missense variant.
Genome position (GRCh38, 1-based): chr17:42,337,469, G>C on the plus strand (C>G on the coding strand, the complement: STAT3 is on the minus strand). VCF-style: chr17-42337469-G-C. GRCh37 (hg19) VCF-style: chr17-40489487-G-C.
Other names: c.763C>G, p.Pro255Ala (NM_001369512.1, NM_001369513.1, NM_001369514.1 and 15 more transcripts); c.685C>G, p.Pro229Ala (NM_001384985.1); c.667C>G, p.Pro223Ala (NM_001384989.1); short protein forms P255A, P223A, P229A.
Identifiers: ClinVar variation 4783071 (VCV004783071.1).
Genomic context (GRCh38, chr17:42,337,469, plus strand): 5'-AAGGAAAAGCTTCTTTCATCCTTTACCAGTTTTCTAGCCGATCTAGGCAGATGTTGGGCG[G>C]GCCTCCAATGCAGGCAATCTGTTGCCGCCTCTTCCAGTCAGCCAGCTCCTCGTCCGTGAG-3'
Protein context (NP_644805.1, residues 245-265): RRQQIACIGG[Pro255Ala]PNICLDRLEN